The following is an entry in ClinVar:

NM_006908.5(RAC1):c.73A>G (p.Thr25Ala)

Gene: RAC1 (Rac family small GTPase 1; plus strand). Cytogenetic location: 7p22.1.
Variant type: single nucleotide variant.
Coding change: c.73A>G on transcript NM_006908.5 (MANE Select); coding-DNA position 73, A replaced by G.
Protein change: p.Thr25Ala; replaces threonine 25 with alanine.
Molecular consequence: missense variant.
Genome position (GRCh38, 1-based): chr7:6,387,249, A>G. VCF-style: chr7-6387249-A-G. GRCh37 (hg19) VCF-style: chr7-6426880-A-G.
Other names: c.73A>G, p.Thr25Ala (NM_018890.4); short protein forms T25A.
Identifiers: ClinVar variation 5027689 (VCV005027689.1).

ClinVar aggregate classification (germline): Likely pathogenic (1 of 4 stars; one submission).

Conditions:
Inborn genetic diseases. Identifiers: MedGen C0950123, MeSH D030342.

Submission:

Ambry Genetics
Classification: Likely pathogenic for Inborn genetic diseases. Last evaluated: 2026-07-21. Review status: criteria provided, single submitter. Criteria: Ambry Variant Classification Scheme 2023. Collection method: clinical testing. Allele origin: germline.
Comment: The c.73A>G (p.T25A) alteration is located in exon 2 (coding exon 2) of the RAC1 gene. This alteration results from an A to G substitution at nucleotide position 73, causing the threonine (T) at amino acid position 25 to be replaced by an alanine (A). This variant was not reported in population-based cohorts in the Genome Aggregation Database (gnomAD). This amino acid position is highly conserved in available vertebrate species. This missense variant is located in a region that has a low rate of benign missense variation (Lek, 2016; Firth, 2009). Based on internal structural analysis, T25A is mildly destabilizing to the local structure (Lapouge, 2000; W&uuml;rtele, 2001). The in silico prediction for this alteration is inconclusive. Based on the available evidence, this alteration is classified as likely pathogenic.

Literature cited by the submitters: PubMed 11090627; PubMed 11135665.